The following is an entry in ClinVar:

ClinVar aggregate classification (germline): Uncertain significance (1 of 4 stars; one submission).

Conditions:
Usher syndrome type 3B. Also called: USHER SYNDROME, TYPE IIIB. Identifiers: MedGen C3281066, MONDO:0013788, OMIM 614504.

Submission:

Labcorp Genetics (formerly Invitae), Labcorp
Classification: Uncertain significance for Usher syndrome type 3B. Last evaluated: 2024-07-10. Review status: criteria provided, single submitter. Criteria: Invitae Variant Classification Sherloc (09022015). Collection method: clinical testing. Allele origin: germline.
Comment: This sequence change replaces serine, which is neutral and polar, with proline, which is neutral and non-polar, at codon 290 of the HARS protein (p.Ser290Pro). This variant is not present in population databases (gnomAD no frequency). This variant has not been reported in the literature in individuals affected with HARS-related conditions. Advanced modeling of protein sequence and biophysical properties (such as structural, functional, and spatial information, amino acid conservation, physicochemical variation, residue mobility, and thermodynamic stability) performed at Invitae indicates that this missense variant is not expected to disrupt HARS protein function with a negative predictive value of 80%. In summary, the available evidence is currently insufficient to determine the role of this variant in disease. Therefore, it has been classified as a Variant of Uncertain Significance.

NM_002109.6(HARS1):c.868T>C (p.Ser290Pro)

Gene: HARS1 (histidyl-tRNA synthetase 1; minus strand). Cytogenetic location: 5q31.3.
Variant type: single nucleotide variant.
Coding change: c.868T>C on transcript NM_002109.6 (MANE Select); coding-DNA position 868, T replaced by C.
Protein change: p.Ser290Pro; replaces serine 290 with proline.
Molecular consequence: missense variant.
Genome position (GRCh38, 1-based): chr5:140,677,072, A>G on the plus strand (T>C on the coding strand, the complement: HARS1 is on the minus strand). VCF-style: chr5-140677072-A-G. GRCh37 (hg19) VCF-style: chr5-140056657-A-G.
Other names: c.748T>C, p.Ser250Pro (NM_001258040.3); c.808T>C, p.Ser270Pro (NM_001258041.3); c.688T>C, p.Ser230Pro (NM_001258042.3); c.646T>C, p.Ser216Pro (NM_001289092.2); c.526T>C, p.Ser176Pro (NM_001289093.2); c.781T>C, p.Ser261Pro (NM_001289094.2); short protein forms S270P, S290P, S176P, S216P, S230P, S250P, S261P.
Identifiers: ClinVar variation 3659123 (VCV003659123.2).
Genomic context (GRCh38, chr5:140,677,072, plus strand): 5'-TCAGGTACTCAAAGAGCAACTTCAGGTCTCCCAGGCCCTCCAAGGCCTGCTTGTTTTGGG[A>G]TAGTTTAGGATCCTGGAGCAGCTGTTCCACCAGGGATACCCCACCTGGGGAGACAGACTT-3'
Protein context (NP_002100.2, residues 280-300): VEQLLQDPKL[Ser290Pro]QNKQALEGLG